The following is an entry in ClinVar:

NC_000004.11:g.(?_52890103)_(52904445_?)dup

Genes: SGCB (sarcoglycan beta; minus strand), LOC129992584 (ATAC-STARR-seq lymphoblastoid active region 21552; plus strand), LOC129992585 (ATAC-STARR-seq lymphoblastoid silent region 15421; plus strand). Cytogenetic location: 4q12.
Variant type: Duplication.
Identifiers: ClinVar variation 584256 (VCV000584256.2).

ClinVar aggregate classification (germline): Uncertain significance (1 of 4 stars; one submission).

Conditions:
Autosomal recessive limb-girdle muscular dystrophy type 2E (LGMDR4). Also called: MUSCULAR DYSTROPHY, LIMB-GIRDLE, AUTOSOMAL RECESSIVE 4. Identifiers: Orphanet 119, MedGen C1858593, MONDO:0011423, OMIM 604286. Disease mechanism: Affects gamma-sarcoglycan and also disrupts the integrity of the entire sarcoglycan complex..

Submission:

Labcorp Genetics (formerly Invitae), Labcorp
Classification: Uncertain significance for Limb-girdle muscular dystrophy, type 2E. Last evaluated: 2019-03-22. Review status: criteria provided, single submitter. Criteria: Invitae Variant Classification Sherloc (09022015). Collection method: clinical testing. Allele origin: germline.
Comment: A gross duplication of the genomic region encompassing the full coding sequence of the SGCB gene has been identified. The boundaries of this event are unknown as the duplication extends beyond the assayed region for this gene and therefore may encompass additional genes. As the precise location of this duplication is unknown, it may be in tandem or it may be located elsewhere in the genome. This variant has not been reported in the literature in individuals with SGCB-related disease. In summary, the available evidence is currently insufficient to determine the role of this variant in disease. Therefore, it has been classified as a Variant of Uncertain Significance.